The following is an entry in ClinVar:

ClinVar aggregate classification (germline): Uncertain significance. Review status: criteria provided, multiple submitters, no conflicts (2 of 4 stars). 2 submissions from 2 submitters: Uncertain significance (2). Last evaluated 2025-05-06.

Conditions:
Hereditary cancer-predisposing syndrome. Also called: Tumor predisposition; Neoplastic Syndromes, Hereditary; Hereditary neoplastic syndrome; Hereditary Cancer Syndrome. Identifiers: Orphanet 140162, MedGen C0027672, MeSH D009386, MONDO:0015356.
Familial cancer of breast. Also called: Hereditary breast cancer; hereditary breast carcinoma; BREAST CANCER, FAMILIAL. Identifiers: Orphanet 227535, MedGen C0346153, MONDO:0016419, OMIM 114480. Disease mechanism: loss of function.

Submissions (2):

Labcorp Genetics (formerly Invitae), Labcorp
Classification: Uncertain significance for Familial cancer of breast. Last evaluated: 2025-05-06. Review status: criteria provided, single submitter. Criteria: Invitae Variant Classification Sherloc (09022015). Collection method: clinical testing. Allele origin: germline.
Comment: This sequence change falls in intron 5 of the BARD1 gene. It does not directly change the encoded amino acid sequence of the BARD1 protein. RNA analysis indicates that this variant induces altered splicing and may result in an absent or altered protein product. This variant is not present in population databases (gnomAD no frequency). This variant has not been reported in the literature in individuals affected with BARD1-related conditions. ClinVar contains an entry for this variant (Variation ID: 3479719). Studies have shown that this variant results in activation of a cryptic splice site, and produces a non-functional protein and/or introduces a premature termination codon (internal data). In summary, the available evidence is currently insufficient to determine the role of this variant in disease. Therefore, it has been classified as a Variant of Uncertain Significance.

Ambry Genetics
Classification: Uncertain significance for Hereditary cancer-predisposing syndrome. Last evaluated: 2024-09-19. Review status: criteria provided, single submitter. Criteria: Ambry Variant Classification Scheme 2023. Collection method: clinical testing. Allele origin: germline.
Comment: The c.1396-4T>G intronic variant results from a T to G substitution 4 nucleotides upstream from coding exon 6 in the BARD1 gene. This nucleotide position is well conserved in available vertebrate species. In silico splice site analysis predicts that this alteration will result in the creation or strengthening of a novel splice acceptor site; however, direct evidence is insufficient at this time (Ambry internal data). Based on the available evidence, the clinical significance of this variant remains unclear.

NM_000465.4(BARD1):c.1396-4T>G

Gene: BARD1 (BRCA1 associated RING domain 1; minus strand). Cytogenetic location: 2q35.
Variant type: single nucleotide variant.
Coding change: c.1396-4T>G on transcript NM_000465.4 (MANE Select); 4 bases into the intron before coding-DNA position 1396, T replaced by G.
Molecular consequence: intron variant.
Genome position (GRCh38, 1-based): chr2:214,767,658, A>C on the plus strand (T>G on the coding strand, the complement: BARD1 is on the minus strand). VCF-style: chr2-214767658-A-C. GRCh37 (hg19) VCF-style: chr2-215632382-A-C.
Other names: c.159-15103T>G (NM_001282548.2); c.1339-4T>G (NM_001282543.2); c.216-15103T>G (NM_001282545.2); c.364+24639T>G (NM_001282549.2).
Identifiers: ClinVar variation 3479719 (VCV003479719.3).